The following is an entry in ClinVar:

ClinVar aggregate classification (germline): Uncertain significance (1 of 4 stars; one submission).

Submission:

Labcorp Genetics (formerly Invitae), Labcorp
Classification: Uncertain significance. Last evaluated: 2025-06-02. Review status: criteria provided, single submitter. Criteria: Invitae Variant Classification Sherloc (09022015). Collection method: clinical testing. Allele origin: germline.
Comment: This sequence change replaces serine, which is neutral and polar, with asparagine, which is neutral and polar, at codon 1892 of the POLE protein (p.Ser1892Asn). This variant is not present in population databases (gnomAD no frequency). This variant has not been reported in the literature in individuals affected with POLE-related conditions. Invitae Evidence Modeling of protein sequence and biophysical properties (such as structural, functional, and spatial information, amino acid conservation, physicochemical variation, residue mobility, and thermodynamic stability) indicates that this missense variant is not expected to disrupt POLE protein function with a negative predictive value of 80%. In summary, the available evidence is currently insufficient to determine the role of this variant in disease. Therefore, it has been classified as a Variant of Uncertain Significance.

NM_006231.4(POLE):c.5675G>A (p.Ser1892Asn)

Gene: POLE (DNA polymerase epsilon, catalytic subunit; minus strand). Cytogenetic location: 12q24.33.
Variant type: single nucleotide variant.
Coding change: c.5675G>A on transcript NM_006231.4 (MANE Select); coding-DNA position 5675, G replaced by A.
Protein change: p.Ser1892Asn; replaces serine 1892 with asparagine.
Molecular consequence: missense variant.
Genome position (GRCh38, 1-based): chr12:132,638,017, C>T on the plus strand (G>A on the coding strand, the complement: POLE is on the minus strand). VCF-style: chr12-132638017-C-T. GRCh37 (hg19) VCF-style: chr12-133214603-C-T.
Other names: short protein forms S1892N.
Identifiers: ClinVar variation 4811708 (VCV004811708.1).